The following is an entry in ClinVar:

ClinVar aggregate classification (germline): Uncertain significance (1 of 4 stars; one submission).

Conditions:
Sulfite oxidase deficiency. Also called: Isolated sulfite oxidase deficiency. Identifiers: Orphanet 833, Orphanet 99731, MedGen C0268624, MONDO:0010089, OMIM 272300, HP:0003643.

Allele frequency attached by ClinVar (database versions not stated): gnomAD 0.00001.

Submission:

Labcorp Genetics (formerly Invitae), Labcorp
Classification: Uncertain significance for Sulfite oxidase deficiency. Last evaluated: 2022-05-10. Review status: criteria provided, single submitter. Criteria: Invitae Variant Classification Sherloc (09022015). Collection method: clinical testing. Allele origin: germline.
Comment: This sequence change replaces tyrosine, which is neutral and polar, with histidine, which is basic and polar, at codon 85 of the SUOX protein (p.Tyr85His). This variant is not present in population databases (gnomAD no frequency). This variant has not been reported in the literature in individuals affected with SUOX-related conditions. Algorithms developed to predict the effect of missense changes on protein structure and function (SIFT, PolyPhen-2, Align-GVGD) all suggest that this variant is likely to be disruptive. In summary, the available evidence is currently insufficient to determine the role of this variant in disease. Therefore, it has been classified as a Variant of Uncertain Significance.

NM_001032386.2(SUOX):c.253T>C (p.Tyr85His)

Gene: SUOX (sulfite oxidase; plus strand). Cytogenetic location: 12q13.2.
Variant type: single nucleotide variant.
Coding change: c.253T>C on transcript NM_001032386.2 (MANE Select); coding-DNA position 253, T replaced by C.
Protein change: p.Tyr85His; replaces tyrosine 85 with histidine.
Molecular consequence: missense variant.
Genome position (GRCh38, 1-based): chr12:56,003,642, T>C. VCF-style: chr12-56003642-T-C. GRCh37 (hg19) VCF-style: chr12-56397426-T-C.
Other names: c.253T>C, p.Tyr85His (NM_000456.3, NM_001032387.2); short protein forms Y85H.
Identifiers: ClinVar variation 1992786 (VCV001992786.1), dbSNP rs746436668, ClinGen allele CA385281920.